The following is an entry in ClinVar:

ClinVar aggregate classification (germline): Likely benign. Review status: criteria provided, single submitter (1 of 4 stars). 2 submissions from 2 submitters: Likely benign (1). 1 of the submissions does not count toward it. Last evaluated 2025-06-20.

Conditions:
MTOR-related disorder. Also called: MTOR-related condition.

Allele frequency attached by ClinVar (database versions not stated): ExAC 0.00001; gnomAD 0.00001; gnomAD exomes 0.00001 and 0.00002; TOPMed 0.00002.
gnomAD v4.1: 31 of 1,614,050 alleles (0.0019%); highest among the groups gnomAD compares: Non-Finnish European, 0.0026%; no homozygotes.

Submissions (2):

Labcorp Genetics (formerly Invitae), Labcorp
Classification: Likely benign. Last evaluated: 2025-06-20. Review status: criteria provided, single submitter. Criteria: Invitae Variant Classification Sherloc (09022015). Collection method: clinical testing. Allele origin: germline.

PreventionGenetics, part of Exact Sciences
Classification: Likely benign for MTOR-related condition. Last evaluated: 2023-10-10. Review status: no assertion criteria provided. Collection method: clinical testing. Allele origin: germline. Not counted in ClinVar's aggregate classification.
Comment: This variant is classified as likely benign based on ACMG/AMP sequence variant interpretation guidelines (Richards et al. 2015 PMID: 25741868, with internal and published modifications).

NM_004958.4(MTOR):c.5154G>A (p.Gln1718=)

Gene: MTOR (mechanistic target of rapamycin kinase; minus strand). Cytogenetic location: 1p36.22.
Variant type: single nucleotide variant.
Coding change: c.5154G>A on transcript NM_004958.4 (MANE Select); coding-DNA position 5154, G replaced by A.
Protein change: p.Gln1718=; no amino-acid change (glutamine 1718 retained).
Molecular consequence: synonymous variant.
Genome position (GRCh38, 1-based): chr1:11,134,443, C>T on the plus strand (G>A on the coding strand, the complement: MTOR is on the minus strand). VCF-style: chr1-11134443-C-T. GRCh37 (hg19) VCF-style: chr1-11194500-C-T.
Identifiers: ClinVar variation 701380 (VCV000701380.10), dbSNP rs773714328, ClinGen allele CA589427.